The following is an entry in ClinVar:

NM_006445.4(PRPF8):c.5038G>T (p.Ala1680Ser)

Gene: PRPF8 (pre-mRNA processing factor 8; minus strand). Cytogenetic location: 17p13.3.
Variant type: single nucleotide variant.
Coding change: c.5038G>T on transcript NM_006445.4 (MANE Select); coding-DNA position 5038, G replaced by T.
Protein change: p.Ala1680Ser; replaces alanine 1680 with serine.
Molecular consequence: missense variant.
Genome position (GRCh38, 1-based): chr17:1,659,457, C>A on the plus strand (G>T on the coding strand, the complement: PRPF8 is on the minus strand). VCF-style: chr17-1659457-C-A. GRCh37 (hg19) VCF-style: chr17-1562751-C-A.
Other names: short protein forms A1680S.
Identifiers: ClinVar variation 1390498 (VCV001390498.6), dbSNP rs1298791789, ClinGen allele CA397574042.

ClinVar aggregate classification (germline): Uncertain significance (1 of 4 stars; one submission).

gnomAD v4.1: 6 of 1,613,922 alleles (0.00037%); highest among the groups gnomAD compares: Non-Finnish European, 0.00051%; no homozygotes.

Submission:

Labcorp Genetics (formerly Invitae), Labcorp
Classification: Uncertain significance. Last evaluated: 2022-07-26. Review status: criteria provided, single submitter. Criteria: Invitae Variant Classification Sherloc (09022015). Collection method: clinical testing. Allele origin: germline.
Comment: This variant is present in population databases (no rsID available, gnomAD 0.0009%). In summary, the available evidence is currently insufficient to determine the role of this variant in disease. Therefore, it has been classified as a Variant of Uncertain Significance. Algorithms developed to predict the effect of missense changes on protein structure and function (SIFT, PolyPhen-2, Align-GVGD) all suggest that this variant is likely to be tolerated. ClinVar contains an entry for this variant (Variation ID: 1390498). This variant has not been reported in the literature in individuals affected with PRPF8-related conditions. This sequence change replaces alanine, which is neutral and non-polar, with serine, which is neutral and polar, at codon 1680 of the PRPF8 protein (p.Ala1680Ser).